The following is an entry in ClinVar:

NM_001042492.3(NF1):c.632C>T (p.Ala211Val)

Gene: NF1 (neurofibromin 1; plus strand). Cytogenetic location: 17q11.2.
Variant type: single nucleotide variant.
Coding change: c.632C>T on transcript NM_001042492.3 (MANE Select); coding-DNA position 632, C replaced by T.
Protein change: p.Ala211Val; replaces alanine 211 with valine.
Molecular consequence: missense variant.
Genome position (GRCh38, 1-based): chr17:31,181,467, C>T. VCF-style: chr17-31181467-C-T. GRCh37 (hg19) VCF-style: chr17-29508485-C-T.
Other names: c.632C>T, p.Ala211Val (NM_000267.4, NM_001128147.3); short protein forms A211V.
Identifiers: ClinVar variation 485973 (VCV000485973.14), dbSNP rs1555608675, ClinGen allele CA398989406.
Genomic context (GRCh38, chr17:31,181,467, plus strand): 5'-TTGTGTTTTTTCCAGAAACAGCATTTAAATTTAAAGCCCTAAAGAAGGTTGCGCAGTTAG[C>T]AGTTATAAATAGCCTGGAAAAGGTAAGTTACAACCTCTCTGGTATTAAAATTTTGTTTTT-3'
Protein context (NP_001035957.1, residues 201-221): FKALKKVAQL[Ala211Val]VINSLEKAFW

ClinVar aggregate classification (germline): Uncertain significance. Review status: criteria provided, multiple submitters, no conflicts (2 of 4 stars). 4 submissions from 4 submitters: Uncertain significance (4). Last evaluated 2025-07-18.

Conditions:
Cardiovascular phenotype. Identifiers: MedGen CN230736.
Hereditary cancer-predisposing syndrome. Also called: Tumor predisposition; Neoplastic Syndromes, Hereditary; Hereditary Cancer Syndrome; Hereditary neoplastic syndrome. Identifiers: Orphanet 140162, MedGen C0027672, MeSH D009386, MONDO:0015356.
Juvenile myelomonocytic leukemia (JMML). Also called: LEUKEMIA, JUVENILE MYELOMONOCYTIC, SOMATIC. Identifiers: Orphanet 86834, MedGen C0349639, MONDO:0011908, OMIM 607785, HP:0012209.
Neurofibromatosis, type 1 (NF1). Also called: NEUROFIBROMATOSIS, TYPE I, SOMATIC; VON RECKLINGHAUSEN DISEASE; Neurofibromatosis, type I; Peripheral type neurofibromatosis. Identifiers: Orphanet 636, MedGen C0027831, MONDO:0018975, OMIM 162200. Disease mechanism: loss of function.

Submissions (4):

Ambry Genetics
Classification: Uncertain significance for Cardiovascular phenotype; Hereditary cancer-predisposing syndrome. Last evaluated: 2025-07-18. Review status: criteria provided, single submitter. Criteria: Ambry Variant Classification Scheme 2023. Collection method: clinical testing. Allele origin: germline.
Comment: The p.A211V variant (also known as c.632C>T), located in coding exon 6 of the NF1 gene, results from a C to T substitution at nucleotide position 632. The alanine at codon 211 is replaced by valine, an amino acid with similar properties. This amino acid position is highly conserved in available vertebrate species. In addition, the in silico prediction for this alteration is inconclusive. Based on the available evidence, the clinical significance of this variant remains unclear.

Baylor Genetics
Classification: Uncertain significance for Juvenile myelomonocytic leukemia. Last evaluated: 2023-11-23. Review status: criteria provided, single submitter. Criteria: ACMG Guidelines, 2015. Collection method: clinical testing. Allele origin: unknown.

Labcorp Genetics (formerly Invitae), Labcorp
Classification: Uncertain significance for Neurofibromatosis, type 1. Last evaluated: 2023-07-17. Review status: criteria provided, single submitter. Criteria: Invitae Variant Classification Sherloc (09022015). Collection method: clinical testing. Allele origin: germline.
Comment: In summary, the available evidence is currently insufficient to determine the role of this variant in disease. Therefore, it has been classified as a Variant of Uncertain Significance. Advanced modeling of protein sequence and biophysical properties (such as structural, functional, and spatial information, amino acid conservation, physicochemical variation, residue mobility, and thermodynamic stability) performed at Invitae indicates that this missense variant is not expected to disrupt NF1 protein function. ClinVar contains an entry for this variant (Variation ID: 485973). This variant has not been reported in the literature in individuals affected with NF1-related conditions. This variant is not present in population databases (gnomAD no frequency). This sequence change replaces alanine, which is neutral and non-polar, with valine, which is neutral and non-polar, at codon 211 of the NF1 protein (p.Ala211Val).

Genome-Nilou Lab
Classification: Uncertain significance for Neurofibromatosis, type 1. Last evaluated: 2022-03-15. Review status: criteria provided, single submitter. Criteria: ACMG Guidelines, 2015. Collection method: clinical testing. Allele origin: germline. Affected: no.